The following is an entry in ClinVar:

NM_000169.3(GLA):c.584dup (p.Arg196fs)

Genes: GLA (galactosidase alpha; minus strand), RPL36A-HNRNPH2 (RPL36A-HNRNPH2 readthrough; plus strand). Cytogenetic location: Xq22.1.
Variant type: Duplication.
Coding change: c.584dup on transcript NM_000169.3 (MANE Select); coding-DNA position 584, one base duplicated (G; older notation c.584dupG).
Protein change: p.Arg196fs; shifts the reading frame from arginine 196.
Molecular consequence: frameshift variant. On other transcripts: non-coding transcript variant (2), intron variant (2).
Genome position (GRCh38, 1-based): chrX:101,400,721, C duplicated on the plus strand (G on the coding strand, the reverse complement: GLA is on the minus strand); the first of 2 consecutive C bases (chrX:101,400,721-101,400,722); duplicating either gives the same sequence. VCF-style (leftmost placement, unchanged base first): chrX-101400720-G-GC. GRCh37 (hg19) VCF-style: chrX-100655708-G-GC.
Other names: c.707dup, p.Arg237fs (NM_001406747.1); c.584dup, p.Arg196fs (NM_001406748.1); c.300+5265dup (NM_001199973.2); c.177+8900dup (NM_001199974.2); short protein forms R196fs, R237fs.
Identifiers: ClinVar variation 4086978 (VCV004086978.2).

ClinVar aggregate classification (germline): Pathogenic (1 of 4 stars; one submission).

Conditions:
Fabry disease. Also called: ALPHA-GALACTOSIDASE A DEFICIENCY; ANDERSON-FABRY DISEASE; CERAMIDE TRIHEXOSIDASE DEFICIENCY; GLA DEFICIENCY; HEREDITARY DYSTOPIC LIPIDOSIS; Angiokeratoma corporis diffusum. Identifiers: Orphanet 324, MedGen C0002986, MONDO:0010526, OMIM 301500, HP:0001071. Disease mechanism: Fabry disease is due to inactivating mutations in the X-linked GLA gene resulting in deficiency of the enzyme Alpha Galactosidase-A., loss of function.

Submission:

Genomenon, Inc
Classification: Pathogenic for Fabry disease. Last evaluated: 2026-09-08. Review status: criteria provided, single submitter. Criteria: Genomenon Sequence Variant Interpretation Standards - Updated. Collection method: curation. Allele origin: germline. Affected: yes.
Comment: GLA p.Arg196GlnfsTer8 (c.584dup) is a frameshift variant that is predicted to introduce a premature termination codon and result in a truncated or absent protein product. This variant has been observed in at least one proband with clinical features consistent with Fabry disease (PMID:38308295). It is absent or not present at a significant frequency in gnomAD. In conclusion, we classify GLA p.Arg196GlnfsTer8 (c.584dup) as a pathogenic variant.

Literature cited by the submitters: PubMed 38308295.